The following is an entry in ClinVar:

NM_004006.3(DMD):c.7543-1G>A

Gene: DMD (dystrophin; minus strand). Cytogenetic location: Xp21.1.
Variant type: single nucleotide variant.
Coding change: c.7543-1G>A on transcript NM_004006.3 (MANE Select); the canonical splice acceptor site of the intron before coding-DNA position 7543, G replaced by A.
Molecular consequence: splice acceptor variant.
Genome position (GRCh38, 1-based): chrX:31,729,749, C>T on the plus strand (G>A on the coding strand, the complement: DMD is on the minus strand). VCF-style: chrX-31729749-C-T. GRCh37 (hg19) VCF-style: chrX-31747866-C-T.
Other names: c.7519-1G>A (NM_000109.4); c.3520-1G>A (NM_004011.4); c.3511-1G>A (NM_004012.4); c.163-1G>A (NM_004023.3, NM_004020.4, NM_004022.3 and 2 more transcripts); c.7531-1G>A (NM_004009.3); c.7174-1G>A (NM_004010.3).
Identifiers: ClinVar variation 4687554 (VCV004687554.1).

ClinVar aggregate classification (germline): Likely pathogenic (1 of 4 stars; one submission).

Conditions:
Neuromuscular disease caused by qualitative or quantitative defects of dystrophin. Also called: Qualitative or quantitative defects of dystrophin. Identifiers: Orphanet 207085, MedGen C5679787, MONDO:0016147.

Submission:

Women's Health and Genetics/Laboratory Corporation of America, LabCorp
Classification: Likely pathogenic for Neuromuscular disease caused by qualitative or quantitative defects of dystrophin. Last evaluated: 2025-10-06. Review status: criteria provided, single submitter. Criteria: LabCorp Variant Classification Summary - May 2015. Collection method: clinical testing. Allele origin: germline.
Comment: Variant summary: DMD c.7543-1G>A is located in a canonical splice-site and is predicted to affect mRNA splicing resulting in a significantly altered protein due to either exon skipping, shortening, or inclusion of intronic material. Variants that disrupt the consensus splice site are a relatively common cause of aberrant splicing and loss of DMD function. Several computational tools predict a significant impact on normal splicing: Two predict the variant abolishes a 3' acceptor site. Two predict the variant weakens a 3' acceptor site. However, these predictions have yet to be confirmed by functional studies. The variant was absent in 183490 control chromosomes. To our knowledge, no occurrence of c.7543-1G>A in individuals affected with DMD-related conditions and no experimental evidence demonstrating its impact on protein function have been reported. No submitters have cited clinical-significance assessments for this variant to ClinVar. Based on the evidence outlined above, the variant was classified as likely pathogenic.